The following is an entry in ClinVar:

ClinVar aggregate classification (germline): Pathogenic (1 of 4 stars; one submission).

Conditions:
Meckel-Gruber syndrome. Also called: GRUBER SYNDROME; DYSENCEPHALIA SPLANCHNOCYSTICA; Dysencephalia splachnocystica. Identifiers: Orphanet 564, MedGen C0265215, MONDO:0018921.
Joubert syndrome. Also called: Familial aplasia of the vermis; JOUBERT-BOLTSHAUSER SYNDROME; CEREBELLOPARENCHYMAL DISORDER IV. Identifiers: Orphanet 475, MedGen C5979921, MONDO:0018772.

Submission:

Labcorp Genetics (formerly Invitae), Labcorp
Classification: Pathogenic for Joubert syndrome; Meckel-Gruber syndrome. Last evaluated: 2025-12-17. Review status: criteria provided, single submitter. Criteria: Invitae Variant Classification Sherloc (09022015). Collection method: clinical testing. Allele origin: germline.
Comment: This sequence change creates a premature translational stop signal (p.Gln86*) in the TCTN1 gene. It is expected to result in an absent or disrupted protein product. Loss-of-function variants in TCTN1 are known to be pathogenic (PMID: 21725307, 22693042, 27894351). This variant is not present in population databases (gnomAD no frequency). This variant has not been reported in the literature in individuals affected with TCTN1-related conditions. For these reasons, this variant has been classified as Pathogenic.

Literature cited by the submitters: PubMed 21725307; PubMed 22693042; PubMed 27894351.

NM_001082538.3(TCTN1):c.256C>T (p.Gln86Ter)

Gene: TCTN1 (tectonic family member 1; plus strand). Cytogenetic location: 12q24.11.
Variant type: single nucleotide variant.
Coding change: c.256C>T on transcript NM_001082538.3 (MANE Select); coding-DNA position 256, C replaced by T.
Protein change: p.Gln86Ter; replaces glutamine 86 with a stop codon.
Molecular consequence: nonsense. On other transcripts: 5 prime UTR variant (1), non-coding transcript variant (1).
Genome position (GRCh38, 1-based): chr12:110,619,871, C>T. VCF-style: chr12-110619871-C-T. GRCh37 (hg19) VCF-style: chr12-111057676-C-T.
Other names: c.256C>T, p.Gln86Ter (NM_001082537.3, NM_001319680.2, NM_024549.6); c.88C>T, p.Gln30Ter (NM_001173975.3, NM_001319682.3); c.76C>T, p.Gln26Ter (NM_001173976.2); c.-452C>T (NM_001319681.2); short protein forms Q30*, Q26*, Q86*.
Identifiers: ClinVar variation 4793524 (VCV004793524.1).
Genomic context (GRCh38, chr12:110,619,871, plus strand): 5'-GATCCTACCCCTCTTTTTTCTGCAGTTGCTGTTCTCTGTGTCTGTGACTTATCCCCAGCA[C>T]AGTGTGACATCAACTGCTGCTGTGATCCCGACTGCAGCTCCGTGGATTTCAGTGTCTTTT-3'